The following is an entry in ClinVar:

NM_006904.7(PRKDC):c.1993G>A (p.Gly665Ser)

Gene: PRKDC (protein kinase, DNA-activated, catalytic subunit; minus strand). Cytogenetic location: 8q11.21.
Variant type: single nucleotide variant.
Coding change: c.1993G>A on transcript NM_006904.7 (MANE Select); coding-DNA position 1993, G replaced by A.
Protein change: p.Gly665Ser; replaces glycine 665 with serine.
Molecular consequence: missense variant.
Genome position (GRCh38, 1-based): chr8:47,929,912, C>T on the plus strand (G>A on the coding strand, the complement: PRKDC is on the minus strand). VCF-style: chr8-47929912-C-T. GRCh37 (hg19) VCF-style: chr8-48842472-C-T.
Other names: c.1993G>A, p.Gly665Ser (NM_001081640.2); short protein forms G665S.
Identifiers: ClinVar variation 2564566 (VCV002564566.2), dbSNP rs2551878615, ClinGen allele CA371164201.

ClinVar aggregate classification (germline): Uncertain significance (1 of 4 stars; one submission).

Submission:

Ambry Genetics
Classification: Uncertain significance. Last evaluated: 2023-05-31. Review status: criteria provided, single submitter. Criteria: Ambry Variant Classification Scheme 2023. Collection method: clinical testing. Allele origin: germline.
Comment: The p.G665S variant (also known as c.1993G>A), located in coding exon 18 of the PRKDC gene, results from a G to A substitution at nucleotide position 1993. The glycine at codon 665 is replaced by serine, an amino acid with similar properties. This amino acid position is conserved. In addition, the in silico prediction for this alteration is inconclusive. Since supporting evidence is limited at this time, the clinical significance of this alteration remains unclear.